The following is an entry in ClinVar:

ClinVar aggregate classification (germline): Likely benign. Review status: criteria provided, multiple submitters, no conflicts (2 of 4 stars). 3 submissions from 3 submitters: Likely benign (2). 1 of the submissions does not count toward it. Last evaluated 2025-11-21.

Conditions:
Hereditary breast ovarian cancer syndrome. Also called: Hereditary breast and ovarian cancer syndrome (HBOC); Breast and ovarian cancer; BRCA1- and BRCA2-Associated Hereditary Breast and Ovarian Cancer; Hereditary breast and/or ovarian cancer syndrome; Hereditary breast and ovarian cancer; Hereditary breast and ovarian cancer syndrome. Identifiers: Orphanet 145, MedGen C0677776, MeSH D061325, MONDO:0003582. Disease mechanism: loss of function.
Malignant tumor of breast. Also called: Malignant breast neoplasm; Cancer breast. Identifiers: MedGen C0006142, MONDO:0007254. Disease mechanism: loss of function.

Submissions (3):

Labcorp Genetics (formerly Invitae), Labcorp
Classification: Likely benign for Hereditary breast ovarian cancer syndrome. Last evaluated: 2025-11-21. Review status: criteria provided, single submitter. Criteria: Invitae Variant Classification Sherloc (09022015). Collection method: clinical testing. Allele origin: germline.

Center for Genomic Medicine, Rigshospitalet, Copenhagen University Hospital
Classification: Likely benign. Last evaluated: 2025-03-04. Review status: criteria provided, single submitter. Criteria: ACMG Guidelines, 2015. Collection method: clinical testing. Allele origin: germline.

Department of Pathology and Laboratory Medicine, Sinai Health System
Classification: Likely benign for Malignant tumor of breast. Review status: no assertion criteria provided. Collection method: clinical testing. Allele origin: unknown. Affected: yes. Study: The Canadian Open Genetics Repository (COGR). Not counted in ClinVar's aggregate classification.
Comment: The c.7806-15C>T variant is not expected to have any clinical significance because it occurs outside of the splicing consensus sequence and in silico predictive software does not predict any difference in splicing. However, this variant was not identified in the literature nor was it identified in any of the following databases: dbSNP, Exome Variant Server ESP Project, HGMD, UMD, BIC, LOVD. In summary, the clinical significance of this variant cannot be determined with certainty at this time, although we would lean towards a more benign role for this variant. Based on the above information, this variant is classified as predicted benign.

NM_000059.4(BRCA2):c.7806-15C>T

Gene: BRCA2 (BRCA2 DNA repair associated; plus strand). Cytogenetic location: 13q13.1.
Variant type: single nucleotide variant.
Coding change: c.7806-15C>T on transcript NM_000059.4 (MANE Select); 15 bases into the intron before coding-DNA position 7806, C replaced by T.
Molecular consequence: intron variant.
Genome position (GRCh38, 1-based): chr13:32,362,508, C>T. VCF-style: chr13-32362508-C-T. GRCh37 (hg19) VCF-style: chr13-32936645-C-T.
Identifiers: ClinVar variation 433818 (VCV000433818.7), dbSNP rs1555286802, ClinGen allele CA645372560.
Genomic context (GRCh38, chr13:32,362,508, plus strand): 5'-AGAATAGTTGTAGTTGTTGAATTCAGTATCATCCTATGTGGTTTTTATGATAATATTCTA[C>T]TTTTATTTGTTCAGGGCTCTGTGTGACACTCCAGGTGTGGATCCAAAGCTTATTTCTAGA-3'